The following is an entry in ClinVar:

ClinVar aggregate classification (germline): Uncertain significance. Review status: criteria provided, multiple submitters, no conflicts (2 of 4 stars). 3 submissions from 3 submitters: Uncertain significance (3). Last evaluated 2024-11-18.

Conditions:
Familial sleep-related hypermotor epilepsy. Also called: Autosomal Dominant Sleep-Related Hypermotor (Hyperkinetic) Epilepsy. Identifiers: Orphanet 98784, MedGen C3696898, MONDO:0000030.
Inborn genetic diseases. Identifiers: MedGen C0950123, MeSH D030342.

Submissions (3):

Labcorp Genetics (formerly Invitae), Labcorp
Classification: Uncertain significance. Last evaluated: 2024-11-18. Review status: criteria provided, single submitter. Criteria: Invitae Variant Classification Sherloc (09022015). Collection method: clinical testing. Allele origin: germline.
Comment: This variant, c.447_449del, results in the deletion of 1 amino acid(s) of the CHRNA2 protein (p.Asn150del), but otherwise preserves the integrity of the reading frame. This variant is present in population databases (rs758217117, gnomAD 0.009%). This variant has not been reported in the literature in individuals affected with CHRNA2-related conditions. ClinVar contains an entry for this variant (Variation ID: 204983). Experimental studies and prediction algorithms are not available or were not evaluated, and the functional significance of this variant is currently unknown. Algorithms developed to predict the effect of sequence changes on RNA splicing suggest that this variant may disrupt the consensus splice site. In summary, the available evidence is currently insufficient to determine the role of this variant in disease. Therefore, it has been classified as a Variant of Uncertain Significance.

Ambry Genetics
Classification: Uncertain significance for Inborn genetic diseases. Last evaluated: 2016-04-27. Review status: criteria provided, single submitter. Criteria: Ambry Variant Classification Scheme 2023. Collection method: clinical testing. Allele origin: germline.
Comment: The c.447_449delCAA variant (also known as p.N150DEL) is located in coding exon 4 of the CHRNA2 gene. This variant results from an in-frame CAA deletion of between nucleotide positions 447 and 449. The asparagine at codon 150 is deleted. This variant was not reported in population based cohorts in the following databases: Database of Single Nucleotide Polymorphisms (dbSNP), NHLBI Exome Sequencing Project (ESP), and 1000 Genomes Project. In the ESP, this variant was not observed in 6503 samples (13006 alleles) with coverage at this position. This amino acid position is highly conserved in available vertebrate species. Since supporting evidence is limited at this time, the clinical significance of this alteration remains unclear.

GeneDx
Classification: Uncertain significance. Last evaluated: 2015-07-15. Review status: criteria provided, single submitter. Criteria: GeneDx Variant Classification (06012015). Collection method: clinical testing. Allele origin: germline. Affected: yes.
Comment: The c.447_449delCAA variant has not been published as a mutation, nor has it been reported as a benign polymorphism to our knowledge. It results in an in-frame deletion of a highly conserved amino acid residue, Asparagine 150. However, mutations in CHRNA2 have not been previously published in this region of the protein, and no in-frame deletions of CHRNA2 have been reported. Although c.447_449delCAA deletes the last three nucleotides of exon 5, multiple in silico algorithms predict that this variant will not impact splicing. Therefore, based on the currently available information, it is unclear whether c.447_449delCAA is a disease-causing mutation or a rare benign variant

NM_000742.4(CHRNA2):c.444CAA[1] (p.Asn150del)

Gene: CHRNA2 (cholinergic receptor nicotinic alpha 2 subunit; minus strand). Cytogenetic location: 8p21.2.
Variant type: Microsatellite.
Coding change: c.444CAA[1] on transcript NM_000742.4 (MANE Select); one copy of the 3-base unit CAA starting at c.444; the reference has two copies in a row; one copy, 3 bases deleted; also written c.447_449del.
Protein change: p.Asn150del; deletes asparagine 150.
Molecular consequence: inframe deletion. On other transcripts: 5 prime UTR variant (4).
Genome position (GRCh38, 1-based): chr8:27,467,229-27,467,231, TTG deleted on the plus strand (CAA on the coding strand, the reverse complement: CHRNA2 is on the minus strand); deleting any 3 consecutive bases within chr8:27,467,229-27,467,235 gives the same sequence; the position shown is the placement nearest the transcript's 3' end. VCF-style (leftmost placement, unchanged base first): chr8-27467228-CTTG-C. GRCh37 (hg19) VCF-style: chr8-27324745-CTTG-C.
Other names: c.399CAA[1], p.Asn135del (NM_001282455.2); c.-29CAA[1] (NM_001347705.2, NM_001347706.2); c.-15CAA[1] (NM_001347707.2); c.-19ACA[2] (NM_001347708.2); c.447_449del (NM_000742.3); short protein forms N150del, N135del.
Identifiers: ClinVar variation 204983 (VCV000204983.13), dbSNP rs758217117, ClinGen allele CA313488.